The following is an entry in ClinVar:

ClinVar aggregate classification (germline): Benign (1 of 4 stars; one submission).

Conditions:
Polydactyly of a triphalangeal thumb. Also called: POLYDACTYLY OF TRIPHALANGEAL THUMB; TRIPHALANGEAL THUMB-POLYDACTYLY SYNDROME; Polydactyly, preaxial type II. Identifiers: Orphanet 2439, Orphanet 2950, Orphanet 93336, MedGen C1868114, MONDO:0008270, OMIM 174500.

Allele frequency attached by ClinVar (database versions not stated): gnomAD 0.00001 and 0.00012; TOPMed 0.00003; gnomAD exomes 0.00017 and 0.00035; ExAC 0.00040; 1000 Genomes Project 30x 0.00094; 1000 Genomes Project 0.00100.
gnomAD v4.1: 269 of 1,590,568 alleles (0.017%); highest among the groups gnomAD compares: South Asian, 0.29%; 1 homozygote.

Submission:

Illumina Laboratory Services, Illumina
Classification: Benign for Polydactyly of a triphalangeal thumb. Last evaluated: 2018-01-13. Review status: criteria provided, single submitter. Criteria: ICSL Variant Classification Criteria 13 December 2019. Collection method: clinical testing. Allele origin: germline.
Comment: This variant was observed in the ICSL laboratory as part of a predisposition screen in an ostensibly healthy population. It had not been previously curated by ICSL or reported in the Human Gene Mutation Database (HGMD: prior to June 1st, 2018), and was therefore a candidate for classification through an automated scoring system. Utilizing variant allele frequency, disease prevalence and penetrance estimates, and inheritance mode, an automated score was calculated to assess if this variant is too frequent to cause the disease. Based on the score and internal cut-off values, a variant classified as benign is not then subjected to further curation. The score for this variant resulted in a classification of benign for this disease.

NM_022458.4(LMBR1):c.435C>T (p.Ala145=)

Gene: LMBR1 (limb development membrane protein 1; minus strand). Cytogenetic location: 7q36.3.
Variant type: single nucleotide variant.
Coding change: c.435C>T on transcript NM_022458.4 (MANE Select); coding-DNA position 435, C replaced by T.
Protein change: p.Ala145=; no amino-acid change (alanine 145 retained).
Molecular consequence: synonymous variant. On other transcripts: 5 prime UTR variant (4), non-coding transcript variant (2).
Genome position (GRCh38, 1-based): chr7:156,763,784, G>A on the plus strand (C>T on the coding strand, the complement: LMBR1 is on the minus strand). VCF-style: chr7-156763784-G-A. GRCh37 (hg19) VCF-style: chr7-156556478-G-A.
Other names: c.435C>T, p.Ala145= (NM_001350953.2, NM_001363409.2, NM_001363410.2); c.156C>T, p.Ala52= (NM_001350954.2); c.-22C>T (NM_001350955.2, NM_001350956.2, NM_001350958.2 and 1 more transcripts); c.66C>T, p.Ala22= (NM_001350957.2, NM_001363411.2); c.372C>T, p.Ala124= (NM_001363412.2).
Identifiers: ClinVar variation 359432 (VCV000359432.5), dbSNP rs563054181, ClinGen allele CA4588116.
Genomic context (GRCh38, chr7:156,763,784, plus strand): 5'-CACTATCCCAAGAATGAGTAACGCAAGAAGAAGAAGCATGACCAAAGTCTCTAAAATGCG[G>A]GCTCGGATTCCCTGAAAAATAGAGTAGAAATATAATTTTAGTATTTTACTTCATTTCATG-3'
Protein context (NP_071903.2, residues 135-155): GFAGLKKGIR[Ala145=]RILETLVMLL